The following is an entry in ClinVar:

NM_004104.5(FASN):c.6494C>T (p.Thr2165Met)

Gene: FASN (fatty acid synthase; minus strand). Cytogenetic location: 17q25.3.
Variant type: single nucleotide variant.
Coding change: c.6494C>T on transcript NM_004104.5 (MANE Select); coding-DNA position 6494, C replaced by T.
Protein change: p.Thr2165Met; replaces threonine 2165 with methionine.
Molecular consequence: missense variant.
Genome position (GRCh38, 1-based): chr17:82,081,265, G>A on the plus strand (C>T on the coding strand, the complement: FASN is on the minus strand). VCF-style: chr17-82081265-G-A. GRCh37 (hg19) VCF-style: chr17-80039141-G-A.
Other names: short protein forms T2165M.
Identifiers: ClinVar variation 575317 (VCV000575317.11), dbSNP rs745914935, ClinGen allele CA8851284.
Genomic context (GRCh38, chr17:82,081,265, plus strand): 5'-CGGAGCGTGAGTTGCCGCACCTCGCGCACGGACAGCACCAGGTTGAGCTCACGCTCCAGC[G>A]TCTGGCGCACCTCCACGCTCATGAGCGAGTCCAGGCCCAGGTCCGCCAGTGAGCTGTCCA-3'
Protein context (NP_004095.4, residues 2155-2175): DSLMSVEVRQ[Thr2165Met]LERELNLVLS

ClinVar aggregate classification (germline): Uncertain significance. Review status: criteria provided, multiple submitters, no conflicts (2 of 4 stars). 2 submissions from 2 submitters: Uncertain significance (2). Last evaluated 2024-12-02.

Conditions:
Epileptic encephalopathy. Identifiers: MedGen C0543888, HP:0200134.

Allele frequency attached by ClinVar (database versions not stated): TOPMed 0.00002; ExAC below 0.00001; gnomAD exomes 0.00003; gnomAD 0.00002.
gnomAD v4.1: 23 of 1,570,704 alleles (0.0015%); highest among the groups gnomAD compares: Admixed American, 0.0075%; no homozygotes.

Submissions (2):

Ambry Genetics
Classification: Uncertain significance. Last evaluated: 2024-12-02. Review status: criteria provided, single submitter. Criteria: Ambry Variant Classification Scheme 2023. Collection method: clinical testing. Allele origin: germline.

Labcorp Genetics (formerly Invitae), Labcorp
Classification: Uncertain significance for Epileptic encephalopathy. Last evaluated: 2024-11-07. Review status: criteria provided, single submitter. Criteria: Invitae Variant Classification Sherloc (09022015). Collection method: clinical testing. Allele origin: germline.
Comment: This sequence change replaces threonine, which is neutral and polar, with methionine, which is neutral and non-polar, at codon 2165 of the FASN protein (p.Thr2165Met). This variant is present in population databases (rs745914935, gnomAD 0.01%). This variant has not been reported in the literature in individuals affected with FASN-related conditions. ClinVar contains an entry for this variant (Variation ID: 575317). An algorithm developed to predict the effect of missense changes on protein structure and function outputs the following: PolyPhen-2: "Benign". The methionine amino acid residue is found in multiple mammalian species, which suggests that this missense change does not adversely affect protein function. In summary, the available evidence is currently insufficient to determine the role of this variant in disease. Therefore, it has been classified as a Variant of Uncertain Significance.